The following is an entry in ClinVar:

ClinVar aggregate classification (germline): Uncertain significance. Review status: criteria provided, multiple submitters, no conflicts (2 of 4 stars). 3 submissions from 3 submitters: Uncertain significance (3). Last evaluated 2024-03-07.

Conditions:
Inborn genetic diseases. Identifiers: MedGen C0950123, MeSH D030342.

Allele frequency attached by ClinVar (database versions not stated): gnomAD 0.00003 and 0.00004; gnomAD exomes 0.00004 and 0.00005; TOPMed 0.00005; ExAC 0.00007; ESP Exome Variant Server 0.00008.
gnomAD v4.1: 72 of 1,611,588 alleles (0.0045%); highest among the groups gnomAD compares: Admixed American, 0.0067%; no homozygotes.

Submissions (3):

Ambry Genetics
Classification: Uncertain significance for Inborn genetic diseases. Last evaluated: 2024-03-07. Review status: criteria provided, single submitter. Criteria: Ambry Variant Classification Scheme 2023. Collection method: clinical testing. Allele origin: germline.

Labcorp Genetics (formerly Invitae), Labcorp
Classification: Uncertain significance. Last evaluated: 2022-03-04. Review status: criteria provided, single submitter. Criteria: Invitae Variant Classification Sherloc (09022015). Collection method: clinical testing. Allele origin: germline.
Comment: This sequence change replaces arginine, which is basic and polar, with histidine, which is basic and polar, at codon 1358 of the LRPPRC protein (p.Arg1358His). This variant is present in population databases (rs373807582, gnomAD 0.008%). This variant has not been reported in the literature in individuals affected with LRPPRC-related conditions. ClinVar contains an entry for this variant (Variation ID: 1303917). Advanced modeling of protein sequence and biophysical properties (such as structural, functional, and spatial information, amino acid conservation, physicochemical variation, residue mobility, and thermodynamic stability) performed at Invitae indicates that this missense variant is expected to disrupt LRPPRC protein function. In summary, the available evidence is currently insufficient to determine the role of this variant in disease. Therefore, it has been classified as a Variant of Uncertain Significance.

GeneDx
Classification: Uncertain significance. Last evaluated: 2020-07-16. Review status: criteria provided, single submitter. Criteria: GeneDx Variant Classification Process June 2021. Collection method: clinical testing. Allele origin: germline. Affected: yes.
Comment: Not observed at a significant frequency in large population cohorts (Lek et al., 2016); In silico analysis supports that this missense variant has a deleterious effect on protein structure/function; Has not been previously published as pathogenic or benign to our knowledge

NM_133259.4(LRPPRC):c.4073G>A (p.Arg1358His)

Gene: LRPPRC (leucine rich pentatricopeptide repeat containing; minus strand). Cytogenetic location: 2p21.
Variant type: single nucleotide variant.
Coding change: c.4073G>A on transcript NM_133259.4 (MANE Select); coding-DNA position 4073, G replaced by A.
Protein change: p.Arg1358His; replaces arginine 1358 with histidine.
Molecular consequence: missense variant.
Genome position (GRCh38, 1-based): chr2:43,889,789, C>T on the plus strand (G>A on the coding strand, the complement: LRPPRC is on the minus strand). VCF-style: chr2-43889789-C-T. GRCh37 (hg19) VCF-style: chr2-44116928-C-T.
Other names: short protein forms R1358H.
Identifiers: ClinVar variation 1303917 (VCV001303917.7), dbSNP rs373807582, ClinGen allele CA1637824.